The following is an entry in ClinVar:

ClinVar aggregate classification (germline): Uncertain significance. Review status: criteria provided, multiple submitters, no conflicts (2 of 4 stars). 2 submissions from 2 submitters: Uncertain significance (2). Last evaluated 2025-02-24.

Conditions:
Autoinflammatory syndrome. Identifiers: Orphanet 93665, MedGen C3890737, MONDO:0019751.
Familial cold autoinflammatory syndrome 2 (FCAS2). Identifiers: Orphanet 247868, MedGen C2673198, MONDO:0012724, OMIM 611762.

Allele frequency attached by ClinVar (database versions not stated): gnomAD 0.00001 and 0.00002; TOPMed 0.00003; ExAC 0.00004; gnomAD exomes 0.00004.
gnomAD v4.1: 58 of 1,612,656 alleles (0.0036%); highest among the groups gnomAD compares: Non-Finnish European, 0.0047%; no homozygotes.

Submissions (2):

Labcorp Genetics (formerly Invitae), Labcorp
Classification: Uncertain significance for Familial cold autoinflammatory syndrome 2. Last evaluated: 2025-02-24. Review status: criteria provided, single submitter. Criteria: Invitae Variant Classification Sherloc (09022015). Collection method: clinical testing. Allele origin: germline.
Comment: This sequence change replaces glutamic acid, which is acidic and polar, with alanine, which is neutral and non-polar, at codon 208 of the NLRP12 protein (p.Glu208Ala). This variant is present in population databases (rs771274238, gnomAD 0.007%). This variant has not been reported in the literature in individuals affected with NLRP12-related conditions. ClinVar contains an entry for this variant (Variation ID: 1034962). Invitae Evidence Modeling of protein sequence and biophysical properties (such as structural, functional, and spatial information, amino acid conservation, physicochemical variation, residue mobility, and thermodynamic stability) indicates that this missense variant is not expected to disrupt NLRP12 protein function with a negative predictive value of 80%. In summary, the available evidence is currently insufficient to determine the role of this variant in disease. Therefore, it has been classified as a Variant of Uncertain Significance.

Genome Diagnostics Laboratory, The Hospital for Sick Children
Classification: Uncertain significance for Autoinflammatory syndrome. Last evaluated: 2020-05-01. Review status: criteria provided, single submitter. Criteria: ACMG Guidelines, 2015. Collection method: clinical testing. Allele origin: germline. Affected: yes.

NM_144687.4(NLRP12):c.623A>C (p.Glu208Ala)

Gene: NLRP12 (NLR family pyrin domain containing 12; minus strand). Cytogenetic location: 19q13.42.
Variant type: single nucleotide variant.
Coding change: c.623A>C on transcript NM_144687.4 (MANE Select); coding-DNA position 623, A replaced by C.
Protein change: p.Glu208Ala; replaces glutamic acid 208 with alanine.
Molecular consequence: missense variant.
Genome position (GRCh38, 1-based): chr19:53,811,036, T>G on the plus strand (A>C on the coding strand, the complement: NLRP12 is on the minus strand). VCF-style: chr19-53811036-T-G. GRCh37 (hg19) VCF-style: chr19-54314290-T-G.
Other names: c.623A>C, p.Glu208Ala (NM_001277126.2, NM_001277129.1); short protein forms E208A.
Identifiers: ClinVar variation 1034962 (VCV001034962.11), dbSNP rs771274238, ClinGen allele CA9639653.